The following is an entry in ClinVar:

NM_015506.3(MMACHC):c.230A>G (p.Asp77Gly)

Gene: MMACHC (metabolism of cobalamin associated C; plus strand). Cytogenetic location: 1p34.1.
Variant type: single nucleotide variant.
Coding change: c.230A>G on transcript NM_015506.3 (MANE Select); coding-DNA position 230, A replaced by G.
Protein change: p.Asp77Gly; replaces aspartic acid 77 with glycine.
Molecular consequence: missense variant.
Genome position (GRCh38, 1-based): chr1:45,507,504, A>G. VCF-style: chr1-45507504-A-G. GRCh37 (hg19) VCF-style: chr1-45973176-A-G.
Other names: c.59A>G, p.Asp20Gly (NM_001330540.2); short protein forms D77G, D20G.
Identifiers: ClinVar variation 633309 (VCV000633309.5), dbSNP rs1217366809, ClinGen allele CA340131961.

ClinVar aggregate classification (germline): Uncertain significance. Review status: criteria provided, multiple submitters, no conflicts (2 of 4 stars). 4 submissions from 4 submitters: Uncertain significance (3). 1 of the submissions does not count toward it. Last evaluated 2024-04-24.

Conditions:
Cobalamin C disease. Also called: Methylmalonic aciduria with homocystinuria cblC type; Methylmalonic aciduria and homocystinuria, Vitamin B12-responsive; Vitamin B12 metabolic defect with combined deficiency of methylmalonyl-CoA mutase and homocysteine:methyltetrahydrofolate methyltransferase; methylmalonic aciduria and homocystinuria type cblC; Cobalamin-C methylmalonic acidemia and homocystinuria; Methylmalonic acidemia and homocystinuria cblC type. Identifiers: Orphanet 26, Orphanet 79282, MedGen C1848561, MONDO:0010184, OMIM 277400.

Allele frequency attached by ClinVar (database versions not stated): gnomAD 0.00001; TOPMed 0.00002.

Submissions (4):

Fulgent Genetics
Classification: Uncertain significance for Cobalamin C disease. Last evaluated: 2024-04-24. Review status: criteria provided, single submitter. Criteria: ACMG Guidelines, 2015. Collection method: clinical testing. Allele origin: germline.

Genome-Nilou Lab
Classification: Uncertain significance for Cobalamin C disease. Last evaluated: 2023-04-11. Review status: criteria provided, single submitter. Criteria: ACMG Guidelines, 2015. Collection method: clinical testing. Allele origin: germline. Affected: no.

Women's Health and Genetics/Laboratory Corporation of America, LabCorp
Classification: Uncertain significance. Last evaluated: 2017-12-07. Review status: criteria provided, single submitter. Criteria: LabCorp Variant Classification Summary - May 2015. Collection method: clinical testing. Allele origin: germline.
Comment: Variant summary: The MMACHC c.230A>G (p.Asp77Gly) variant involves the alteration of a conserved nucleotide. 4/4 in silico tools predict a damaging outcome for this variant (SNPsandGO not captured due to low reliability index). This variant is absent in 246180 control chromosomes. The variant of interest has not, to our knowledge, been reported in affected individuals via publications and/or reputable databases/clinical diagnostic laboratories; nor evaluated for functional impact by in vivo/vitro studies. Because of the absence of clinical information and the lack of functional studies, the variant is classified as a variant of uncertain significance (VUS) until additional information becomes available.

Natera, Inc.
Classification: Uncertain significance for Methylmalonic aciduria and homocystinuria cblC type. Last evaluated: 2020-03-19. Review status: no assertion criteria provided. Collection method: clinical testing. Allele origin: germline. Not counted in ClinVar's aggregate classification.